The following is an entry in ClinVar:

ClinVar aggregate classification (germline): Uncertain significance. Review status: criteria provided, multiple submitters, no conflicts (2 of 4 stars). 4 submissions from 4 submitters: Uncertain significance (4). Last evaluated 2025-03-15.

Conditions:
Cardiovascular phenotype. Identifiers: MedGen CN230736.
Dilated cardiomyopathy 1G (CMD1G). Identifiers: Orphanet 154, MedGen C1858763, MONDO:0011400, OMIM 604145.
Autosomal recessive limb-girdle muscular dystrophy type 2J (LGMDR10). Also called: Limb-girdle muscular dystrophy, type 2J; MUSCULAR DYSTROPHY, LIMB-GIRDLE, AUTOSOMAL RECESSIVE 10. Identifiers: Orphanet 140922, MedGen C1837342, MONDO:0012127, OMIM 608807.

Allele frequency attached by ClinVar (database versions not stated): gnomAD exomes 0.00001 and below 0.00001; ExAC 0.00002; ESP Exome Variant Server 0.00008; TOPMed below 0.00001.
gnomAD v4.1: 5 of 1,613,894 alleles (0.00031%); highest among the groups gnomAD compares: African/African-American, 0.0013%; no homozygotes.

Submissions (4):

Labcorp Genetics (formerly Invitae), Labcorp
Classification: Uncertain significance for Dilated cardiomyopathy 1G; Autosomal recessive limb-girdle muscular dystrophy type 2J. Last evaluated: 2025-03-15. Review status: criteria provided, single submitter. Criteria: Invitae Variant Classification Sherloc (09022015). Collection method: clinical testing. Allele origin: germline.
Comment: This sequence change replaces arginine, which is basic and polar, with threonine, which is neutral and polar, at codon 35050 of the TTN protein (p.Arg35050Thr). This variant is present in population databases (rs376175862, gnomAD 0.004%). This variant has not been reported in the literature in individuals affected with TTN-related conditions. ClinVar contains an entry for this variant (Variation ID: 96329). Experimental studies and prediction algorithms are not available or were not evaluated, and the functional significance of this variant is currently unknown. This variant is located in the M band of TTN (PMID: 25589632). Non-truncating variants in this region may be relevant for neuromuscular disorders, but have not been definitively shown to cause cardiomyopathy (PMID: 23975875). In summary, the available evidence is currently insufficient to determine the role of this variant in disease. Therefore, it has been classified as a Variant of Uncertain Significance.

GeneDx
Classification: Uncertain significance. Last evaluated: 2019-08-01. Review status: criteria provided, single submitter. Criteria: GeneDx Variant Classification Process June 2021. Collection method: clinical testing. Allele origin: germline. Affected: yes.

Ambry Genetics
Classification: Uncertain significance for Cardiovascular phenotype. Last evaluated: 2015-09-28. Review status: criteria provided, single submitter. Criteria: Ambry Variant Classification Scheme 2023. Collection method: clinical testing. Allele origin: germline.
Comment: The p.R25985T variant (also known as c.77954G>C), located in coding exon 185 of the TTN gene, results from a G to C substitution at nucleotide position 77954. The arginine at codon 25985 is replaced by threonine, an amino acid with similar properties. This variant was previously reported in the SNPDatabase as rs376175862. Based on data from the NHLBI Exome Sequencing Project (ESP), the C allele has an overall frequency of approximately 0.01% (1/12126) total alleles studied and 0.01% (1/8278) European American alleles. This amino acid position is not well conserved in available vertebrate species, and threonine is the reference amino acid in one species. In addition, this alteration is predicted to be tolerated by in silico analysis. Since supporting evidence is limited at this time, the clinical significance of this variant remains unclear.

Eurofins Ntd Llc (ga)
Classification: Uncertain significance. Last evaluated: 2013-03-12. Review status: criteria provided, single submitter. Criteria: EGL Classification Definitions 2015. Collection method: clinical testing. Allele origin: germline. Observed: 1 variant allele, 1 heterozygote.

Literature cited by the submitters: PubMed 25589632 (cited by Labcorp Genetics (formerly Invitae), Labcorp); PubMed 23975875 (cited by Labcorp Genetics (formerly Invitae), Labcorp).

NM_001267550.2(TTN):c.105149G>C (p.Arg35050Thr)

Genes: TTN (titin; minus strand), TTN-AS1 (TTN antisense RNA 1; plus strand), LOC129935185 (ATAC-STARR-seq lymphoblastoid active region 16810; plus strand). Cytogenetic location: 2q31.2.
Variant type: single nucleotide variant.
Coding change: c.105149G>C on transcript NM_001267550.2 (MANE Select); coding-DNA position 105149, G replaced by C.
Protein change: p.Arg35050Thr; replaces arginine 35050 with threonine.
Molecular consequence: missense variant.
Genome position (GRCh38, 1-based): chr2:178,531,466, C>G on the plus strand (G>C on the coding strand, the complement: TTN is on the minus strand). VCF-style: chr2-178531466-C-G. GRCh37 (hg19) VCF-style: chr2-179396193-C-G.
Other names: c.100226G>C, p.Arg33409Thr (NM_001256850.1); c.77954G>C, p.Arg25985Thr (NM_003319.4); c.78329G>C, p.Arg26110Thr (NM_133432.3); c.78530G>C, p.Arg26177Thr (NM_133437.4); c.97445G>C, p.Arg32482Thr (NM_133378.4); short protein forms R35050T, R25985T, R26177T, R26110T, R33409T.
Identifiers: ClinVar variation 96329 (VCV000096329.17), dbSNP rs376175862, ClinGen allele CA224019.